The following is an entry in ClinVar:

ClinVar aggregate classification (germline): Conflicting classifications of pathogenicity. Review status: criteria provided, conflicting classifications (1 of 4 stars). 3 submissions from 3 submitters: Uncertain significance (2); Likely benign (1). Last evaluated 2025-06-23.

Conditions:
RYR1-related disorder. Also called: RYR1-related disorders; RYR1-related condition. Identifiers: MedGen CN239331.
Malignant hyperthermia, susceptibility to, 1 (MHS1). Also called: Anesthesia related hyperthermia; Malignant hyperpyrexia; Fulminating hyperpyrexia; Pharmacogenic myopathy; RYR1-Related Malignant Hyperthermia Susceptibility; Malignant hyperthermia suceptibility 1. Identifiers: Orphanet 423, MedGen C2930980, MONDO:0007783, OMIM 145600.

Allele frequency attached by ClinVar (database versions not stated): gnomAD exomes below 0.00001 and 0.00005; ExAC 0.00001; gnomAD 0.00001; TOPMed 0.00002.
gnomAD v4.1: 75 of 1,614,048 alleles (0.0046%); highest among the groups gnomAD compares: Non-Finnish European, 0.0055%; no homozygotes.

Submissions (3):

Color Diagnostics, LLC DBA Color Health
Classification: Uncertain significance for Malignant hyperthermia, susceptibility to, 1. Last evaluated: 2025-06-23. Review status: criteria provided, single submitter. Criteria: ACMG Guidelines, 2015. Collection method: clinical testing. Allele origin: germline.
Comment: This variant is located in the RYR1 protein. To our knowledge, functional studies have not been reported for this variant. This variant has not been reported in individuals affected with RYR1-related disorders in the literature. This variant has been identified in 1/251450 chromosomes in the general population by the Genome Aggregation Database (gnomAD). The available evidence is insufficient to determine the role of this variant in disease conclusively. Therefore, this variant is classified as a Variant of Uncertain Significance.

Labcorp Genetics (formerly Invitae), Labcorp
Classification: Likely benign for RYR1-related disorder. Last evaluated: 2024-01-08. Review status: criteria provided, single submitter. Criteria: Invitae Variant Classification Sherloc (09022015). Collection method: clinical testing. Allele origin: germline.

All of Us Research Program, National Institutes of Health
Classification: Uncertain significance for Malignant hyperthermia, susceptibility to, 1. Last evaluated: 2023-11-30. Review status: criteria provided, single submitter. Criteria: ACMG Guidelines, 2015. Collection method: clinical testing. Allele origin: germline. Inheritance: Autosomal dominant inheritance. Observed: 5 variant alleles, 5 heterozygotes.
Comment: This variant is located in the RYR1 protein. To our knowledge, functional studies have not been reported for this variant. This variant has not been reported in individuals affected with RYR1-related disorders in the literature. This variant has been identified in 1/251450 chromosomes in the general population by the Genome Aggregation Database (gnomAD). The available evidence is insufficient to determine the role of this variant in disease conclusively. Therefore, this variant is classified as a Variant of Uncertain Significance.

This study involves interpretation of variants in research participants for the purpose of population health screening. Participant phenotype was not available at the time of variant classification. Additional details can be found in publication PMID: 35346344, PMCID: PMC8962531

NM_000540.3(RYR1):c.11838C>T (p.Gly3946=)

Gene: RYR1 (ryanodine receptor 1; plus strand). Cytogenetic location: 19q13.2.
Variant type: single nucleotide variant.
Coding change: c.11838C>T on transcript NM_000540.3 (MANE Select); coding-DNA position 11838, C replaced by T.
Protein change: p.Gly3946=; no amino-acid change (glycine 3946 retained).
Molecular consequence: synonymous variant.
Genome position (GRCh38, 1-based): chr19:38,543,591, C>T. VCF-style: chr19-38543591-C-T. GRCh37 (hg19) VCF-style: chr19-39034231-C-T.
Other names: c.11823C>T, p.Gly3941= (NM_001042723.2).
Identifiers: ClinVar variation 1412881 (VCV001412881.9), dbSNP rs758112271, ClinGen allele CA057694.